The following is an entry in ClinVar:

NM_020937.4(FANCM):c.433C>T (p.Pro145Ser)

Gene: FANCM (FA complementation group M; plus strand). Cytogenetic location: 14q21.2.
Variant type: single nucleotide variant.
Coding change: c.433C>T on transcript NM_020937.4 (MANE Select); coding-DNA position 433, C replaced by T.
Protein change: p.Pro145Ser; replaces proline 145 with serine.
Molecular consequence: missense variant.
Genome position (GRCh38, 1-based): chr14:45,136,464, C>T. VCF-style: chr14-45136464-C-T. GRCh37 (hg19) VCF-style: chr14-45605667-C-T.
Other names: c.433C>T, p.Pro145Ser (NM_001308133.2, NM_001308134.2); short protein forms P145S.
Identifiers: ClinVar variation 4254693 (VCV004254693.1).

ClinVar aggregate classification (germline): Uncertain significance (1 of 4 stars; one submission).

Conditions:
Inborn genetic diseases. Identifiers: MedGen C0950123, MeSH D030342.

Submission:

Ambry Genetics
Classification: Uncertain significance for Inborn genetic diseases. Last evaluated: 2025-08-20. Review status: criteria provided, single submitter. Criteria: Ambry Variant Classification Scheme 2023. Collection method: clinical testing. Allele origin: germline.
Comment: The p.P145S variant (also known as c.433C>T), located in coding exon 1 of the FANCM gene, results from a C to T substitution at nucleotide position 433. The proline at codon 145 is replaced by serine, an amino acid with similar properties. This amino acid position is conserved. In addition, the in silico prediction for this alteration is inconclusive. Based on the available evidence, the clinical significance of this variant remains unclear.